The following is an entry in ClinVar:

ClinVar aggregate classification (germline): Benign. Review status: criteria provided, multiple submitters, no conflicts (2 of 4 stars). 4 submissions from 4 submitters: Benign (4). Last evaluated 2026-01-22.

Conditions:
Immunodeficiency due to MASP-2 deficiency. Also called: MASP2 deficiency; LECTIN COMPLEMENT ACTIVATION PATHWAY, DEFECT IN, 2. Identifiers: Orphanet 331187, MedGen C3151085, MONDO:0013423, OMIM 613791.

Allele frequency attached by ClinVar (database versions not stated): gnomAD exomes 0.00168 and 0.00451; ExAC 0.00540; gnomAD 0.01751 and 0.01862; ESP Exome Variant Server 0.01938; TOPMed 0.01993; 1000 Genomes Project 0.02356; 1000 Genomes Project 30x 0.02561.
gnomAD v4.1: 5,224 of 1,613,850 alleles (0.32%); highest among the groups gnomAD compares: African/African-American, 6%; 150 homozygotes.

Submissions (4):

Women's Health and Genetics/Laboratory Corporation of America, LabCorp
Classification: Benign. Last evaluated: 2026-01-22. Review status: criteria provided, single submitter. Criteria: LabCorp Variant Classification Summary - May 2015. Collection method: clinical testing. Allele origin: germline.

Labcorp Genetics (formerly Invitae), Labcorp
Classification: Benign. Last evaluated: 2019-12-31. Review status: criteria provided, single submitter. Criteria: Invitae Variant Classification Sherloc (09022015). Collection method: clinical testing. Allele origin: germline.

Illumina Laboratory Services, Illumina
Classification: Benign for Immunodeficiency due to MASP-2 deficiency. Last evaluated: 2018-01-13. Review status: criteria provided, single submitter. Criteria: ICSL Variant Classification Criteria 13 December 2019. Collection method: clinical testing. Allele origin: germline.
Comment: This variant was observed in the ICSL laboratory as part of a predisposition screen in an ostensibly healthy population. It had not been previously curated by ICSL or reported in the Human Gene Mutation Database (HGMD: prior to June 1st, 2018), and was therefore a candidate for classification through an automated scoring system. Utilizing variant allele frequency, disease prevalence and penetrance estimates, and inheritance mode, an automated score was calculated to assess if this variant is too frequent to cause the disease. Based on the score and internal cut-off values, a variant classified as benign is not then subjected to further curation. The score for this variant resulted in a classification of benign for this disease.

Breakthrough Genomics
Classification: Benign. Review status: criteria provided, single submitter. Criteria: ACMG Guidelines, 2015. Collection method: not provided. Allele origin: germline. Inheritance: Autosomal recessive inheritance. Affected: yes.

NM_006610.4(MASP2):c.882G>A (p.Thr294=)

Gene: MASP2 (MBL associated serine protease 2; minus strand). Cytogenetic location: 1p36.22.
Variant type: single nucleotide variant.
Coding change: c.882G>A on transcript NM_006610.4 (MANE Select); coding-DNA position 882, G replaced by A.
Protein change: p.Thr294=; no amino-acid change (threonine 294 retained).
Molecular consequence: synonymous variant.
Genome position (GRCh38, 1-based): chr1:11,042,882, C>T on the plus strand (G>A on the coding strand, the complement: MASP2 is on the minus strand). VCF-style: chr1-11042882-C-T. GRCh37 (hg19) VCF-style: chr1-11102939-C-T.
Identifiers: ClinVar variation 291791 (VCV000291791.11), dbSNP rs61735598, ClinGen allele CA586909.